The following is an entry in ClinVar:

NM_015102.5(NPHP4):c.3645-1G>C

Gene: NPHP4 (nephrocystin 4; minus strand). Cytogenetic location: 1p36.31.
Variant type: single nucleotide variant.
Coding change: c.3645-1G>C on transcript NM_015102.5 (MANE Select); the canonical splice acceptor site of the intron before coding-DNA position 3645, G replaced by C.
Molecular consequence: splice acceptor variant.
Genome position (GRCh38, 1-based): chr1:5,865,274, C>G on the plus strand (G>C on the coding strand, the complement: NPHP4 is on the minus strand). VCF-style: chr1-5865274-C-G. GRCh37 (hg19) VCF-style: chr1-5925334-C-G.
Other names: c.2109-1G>C (NM_001291594.2); c.2106-1G>C (NM_001291593.2).
Identifiers: ClinVar variation 4881821 (VCV004881821.2).

ClinVar aggregate classification (germline): Likely pathogenic (1 of 4 stars; one submission).

Submission:

Dasa
Classification: Likely pathogenic. Last evaluated: 2025-05-19. Review status: criteria provided, single submitter. Criteria: DASA Assertion Criteria. Collection method: clinical testing. Allele origin: germline.
Comment: NM_015102.5(NPHP4):c.3645-1G>C affects a canonical splice site and is predicted to disrupt normal RNA splicing. Loss of function is an established disease mechanism for NPHP4-associated disorders. Also, this variant is absent from population databases. Based on the currently available evidence, this variant is classified as likely pathogenic.